The following is an entry in ClinVar:

ClinVar aggregate classification (germline): Benign/Likely benign. Review status: criteria provided, multiple submitters, no conflicts (2 of 4 stars). 10 submissions from 10 submitters: Benign (6); Likely benign (1). 3 of the submissions do not count toward it. Last evaluated 2026-05-08.

Conditions:
Deficiency of iodide peroxidase (TDH2A). Also called: HYPOTHYROIDISM, CONGENITAL, DUE TO DYSHORMONOGENESIS, 2A; IODIDE PEROXIDASE DEFICIENCY; THYROID HORMONOGENESIS, GENETIC DEFECT IN, 2A; THYROID PEROXIDASE DEFICIENCY; Thyroid dyshormonogenesis 2A. Identifiers: Orphanet 95716, MedGen C1291299, MONDO:0010133, OMIM 274500.

Allele frequency attached by ClinVar (database versions not stated): gnomAD exomes 0.55309 and 0.58703; ExAC 0.58982; ESP Exome Variant Server 0.61326; gnomAD 0.62367 and 0.62508; TOPMed 0.62584; 1000 Genomes Project 0.66394; 1000 Genomes Project 30x 0.66786.

Submissions (10):

Women's Health and Genetics/Laboratory Corporation of America, LabCorp
Classification: Benign. Last evaluated: 2026-05-08. Review status: criteria provided, single submitter. Criteria: LabCorp Variant Classification Summary - May 2015. Collection method: clinical testing. Allele origin: germline.

Labcorp Genetics (formerly Invitae), Labcorp
Classification: Benign. Last evaluated: 2026-02-04. Review status: criteria provided, single submitter. Criteria: Invitae Variant Classification Sherloc (09022015). Collection method: clinical testing. Allele origin: germline.

Blueprint Genetics
Classification: Likely benign. Last evaluated: 2024-11-26. Review status: criteria provided, single submitter. Criteria: ACMG Guidelines, 2015. Collection method: clinical testing. Allele origin: germline.

GeneDx
Classification: Benign. Last evaluated: 2018-11-12. Review status: criteria provided, single submitter. Criteria: GeneDx Variant Classification Process June 2021. Collection method: clinical testing. Allele origin: germline. Affected: yes.

Illumina Laboratory Services, Illumina
Classification: Benign for Deficiency of iodide peroxidase. Last evaluated: 2018-01-13. Review status: criteria provided, single submitter. Criteria: ICSL Variant Classification Criteria 13 December 2019. Collection method: clinical testing. Allele origin: germline.
Comment: This variant was observed in the ICSL laboratory as part of a predisposition screen in an ostensibly healthy population. It had not been previously curated by ICSL or reported in the Human Gene Mutation Database (HGMD: prior to June 1st, 2018), and was therefore a candidate for classification through an automated scoring system. Utilizing variant allele frequency, disease prevalence and penetrance estimates, and inheritance mode, an automated score was calculated to assess if this variant is too frequent to cause the disease. Based on the score and internal cut-off values, a variant classified as benign is not then subjected to further curation. The score for this variant resulted in a classification of benign for this disease.

Breakthrough Genomics
Classification: Benign. Review status: criteria provided, single submitter. Criteria: ACMG Guidelines, 2015. Collection method: not provided. Allele origin: germline. Inheritance: Autosomal recessive inheritance. Affected: yes.

PreventionGenetics, part of Exact Sciences
Classification: Benign. Review status: criteria provided, single submitter. Criteria: ACMG Guidelines, 2015. Collection method: clinical testing. Allele origin: germline.

Clinical Genetics DNA and cytogenetics Diagnostics Lab, Erasmus MC, Erasmus Medical Center
Classification: Benign. Review status: no assertion criteria provided. Collection method: clinical testing. Allele origin: germline. Affected: yes. Study: VKGL Data-share Consensus. Not counted in ClinVar's aggregate classification.

Clinical Genetics, Academic Medical Center
Classification: Benign. Review status: no assertion criteria provided. Collection method: clinical testing. Allele origin: germline. Affected: yes. Study: VKGL Data-share Consensus. Not counted in ClinVar's aggregate classification.

Diagnostic Laboratory, Department of Genetics, University Medical Center Groningen
Classification: Benign for Deficiency of iodide peroxidase. Review status: no assertion criteria provided. Collection method: clinical testing. Allele origin: germline. Affected: yes. Study: VKGL Data-share Consensus. Not counted in ClinVar's aggregate classification.

NM_001206744.2(TPO):c.2540T>C (p.Val847Ala)

Genes: LALTOP (lung cancer associated lncRNA targeting TOP2A; minus strand), TPO (thyroid peroxidase; plus strand). Cytogenetic location: 2p25.3.
Variant type: single nucleotide variant.
Coding change: c.2540T>C on transcript NM_001206744.2 (MANE Select); coding-DNA position 2540, T replaced by C.
Protein change: p.Val847Ala; replaces valine 847 with alanine.
Molecular consequence: missense variant.
Genome position (GRCh38, 1-based): chr2:1,516,904, T>C. VCF-style: chr2-1516904-T-C. GRCh37 (hg19) VCF-style: chr2-1520676-T-C.
Other names: c.2540T>C, p.Val847Ala (NM_000547.6); c.2369T>C, p.Val790Ala (NM_001206745.2, NM_175719.4); c.2408T>C, p.Val803Ala (NM_175721.3); c.2021T>C, p.Val674Ala (NM_175722.3); short protein forms V847A, V674A, V790A, V803A.
Identifiers: ClinVar variation 256614 (VCV000256614.15), dbSNP rs1126799, ClinGen allele CA1512182.